The following is an entry in ClinVar:

ClinVar aggregate classification (germline): Pathogenic (1 of 4 stars; one submission).

Conditions:
Polycystic kidney disease, adult type (PKD1). Also called: Polycystic Kidney, Autosomal Dominant; POLYCYSTIC KIDNEY DISEASE 1 WITH OR WITHOUT POLYCYSTIC LIVER DISEASE; POLYCYSTIC KIDNEY DISEASE, ADULT, TYPE I; Polycystic Kidney Disease 1, Autosomal Dominant; Polycystic kidney disease 1; Polycystic kidney disease 1, severe. Identifiers: MedGen C3149841, MONDO:0008263, OMIM 173900.

Submission:

Juno Genomics, Hangzhou Juno Genomics, Inc
Classification: Pathogenic for Polycystic kidney disease, adult type. Review status: criteria provided, single submitter. Criteria: ACMG Guidelines, 2015. Collection method: clinical testing. Allele origin: germline. Affected: yes.
Comment: Absent from controls (or at extremely low frequency if recessive) in Genome Aggregation Database, Exome Sequencing Project, 1000 Genomes Project, or Exome Aggregation Consortium.;Null variant in a gene where loss of function (LOF) is a known mechanism of disease.;Patient's phenotype or family history is highly specific for a disease with a single genetic etiology.

NM_001009944.3(PKD1):c.10405+1G>T

Gene: PKD1 (polycystin 1, transient receptor potential channel interacting; minus strand). Cytogenetic location: 16p13.3.
Variant type: single nucleotide variant.
Coding change: c.10405+1G>T on transcript NM_001009944.3 (MANE Select); the canonical splice donor site of the intron after coding-DNA position 10405, G replaced by T.
Molecular consequence: splice donor variant.
Genome position (GRCh38, 1-based): chr16:2,097,318, C>A on the plus strand (G>T on the coding strand, the complement: PKD1 is on the minus strand). VCF-style: chr16-2097318-C-A. GRCh37 (hg19) VCF-style: chr16-2147319-C-A.
Other names: c.10402+1G>T (NM_000296.4).
Identifiers: ClinVar variation 3335865 (VCV003335865.2).